The following is an entry in ClinVar:

ClinVar aggregate classification (germline): Likely benign (0 of 4 stars; one submission).

Conditions:
PTPRF-related disorder. Also called: PTPRF-related condition.

Allele frequency attached by ClinVar (database versions not stated): ExAC 0.00005; TOPMed 0.00010; gnomAD exomes 0.00012; gnomAD 0.00013; 1000 Genomes Project 0.00060; 1000 Genomes Project 30x 0.00078.
gnomAD v4.1: 196 of 1,614,034 alleles (0.012%); highest among the groups gnomAD compares: African/African-American, 0.021%; no homozygotes.

Submission:

PreventionGenetics, part of Exact Sciences
Classification: Likely benign for PTPRF-related condition. Last evaluated: 2019-07-16. Review status: no assertion criteria provided. Collection method: clinical testing. Allele origin: germline.
Comment: This variant is classified as likely benign based on ACMG/AMP sequence variant interpretation guidelines (Richards et al. 2015 PMID: 25741868, with internal and published modifications).

NM_002840.5(PTPRF):c.4878G>A (p.Lys1626=)

Gene: PTPRF (protein tyrosine phosphatase receptor type F; plus strand). Cytogenetic location: 1p34.2.
Variant type: single nucleotide variant.
Coding change: c.4878G>A on transcript NM_002840.5 (MANE Select); coding-DNA position 4878, G replaced by A.
Protein change: p.Lys1626=; no amino-acid change (lysine 1626 retained).
Molecular consequence: synonymous variant.
Genome position (GRCh38, 1-based): chr1:43,619,519, G>A. VCF-style: chr1-43619519-G-A. GRCh37 (hg19) VCF-style: chr1-44085190-G-A.
Other names: c.4044G>A, p.Lys1348= (NM_001329137.2); c.4068G>A, p.Lys1356= (NM_001329138.2); c.4026G>A, p.Lys1342= (NM_001329139.2); c.3966G>A, p.Lys1322= (NM_001329140.2); c.4851G>A, p.Lys1617= (NM_130440.4).
Identifiers: ClinVar variation 3050188 (VCV003050188.2), dbSNP rs201561159, ClinGen allele CA813357.